The following is an entry in ClinVar:

NM_015102.5(NPHP4):c.1923C>T (p.Asn641=)

Gene: NPHP4 (nephrocystin 4; minus strand). Cytogenetic location: 1p36.31.
Variant type: single nucleotide variant.
Coding change: c.1923C>T on transcript NM_015102.5 (MANE Select); coding-DNA position 1923, C replaced by T.
Protein change: p.Asn641=; no amino-acid change (asparagine 641 retained).
Molecular consequence: synonymous variant. On other transcripts: non-coding transcript variant (1).
Genome position (GRCh38, 1-based): chr1:5,905,324, G>A on the plus strand (C>T on the coding strand, the complement: NPHP4 is on the minus strand). VCF-style: chr1-5905324-G-A. GRCh37 (hg19) VCF-style: chr1-5965384-G-A.
Other names: p.Asn641=; c.384C>T, p.Asn128= (NM_001291593.2); c.387C>T, p.Asn129= (NM_001291594.2).
Identifiers: ClinVar variation 286805 (VCV000286805.45), dbSNP rs372430727, ClinGen allele CA554339.
Genomic context (GRCh38, chr1:5,905,324, plus strand): 5'-ATGAGTAACAGAATATTCAAGGATTTACCTGCTAAAGGCAAGAAACTGTAGCACCATCTC[G>A]TTGCTTTGTAGACAATCTGATTCTTCCTTCTGAGGGTTAAACGTCACAGGTTCTGTAGCG-3'
Protein context (NP_055917.1, residues 631-651): QKEESDCLQS[Asn641=]EMVLQFLAFS

ClinVar aggregate classification (germline): Conflicting classifications of pathogenicity. Review status: criteria provided, conflicting classifications (1 of 4 stars). 10 submissions from 9 submitters: Uncertain significance (3); Likely benign (4). 3 of the submissions do not count toward it. Last evaluated 2026-01-04.

Conditions:
NPHP4-related disorder. Also called: NPHP4-related condition; NPHP4-related disorders. Identifiers: MedGen CN239384.
Nephronophthisis. Also called: Juvenile Nephronophthisis. Identifiers: Orphanet 655, MedGen C0687120, MONDO:0019005, HP:0000090.
Nephronophthisis 4 (NPHP4). Also called: NEPHRONOPHTHISIS 4, JUVENILE. Identifiers: Orphanet 655, MedGen C1847013, MONDO:0011752, OMIM 606966.
Senior-Loken syndrome 4 (SLSN4). Identifiers: Orphanet 3156, MedGen C1846979, MONDO:0011756, OMIM 606996.

Allele frequency attached by ClinVar (database versions not stated): gnomAD 0.00008 and 0.00017; TOPMed 0.00011; gnomAD exomes 0.00014 and 0.00018; ESP Exome Variant Server 0.00016; ExAC 0.00017; 1000 Genomes Project 0.00160; 1000 Genomes Project 30x 0.00172.
gnomAD v4.1: 247 of 1,613,750 alleles (0.015%); highest among the groups gnomAD compares: East Asian, 0.08%; no homozygotes.

Submissions (10):

Labcorp Genetics (formerly Invitae), Labcorp
Classification: Likely benign for Nephronophthisis. Last evaluated: 2026-01-04. Review status: criteria provided, single submitter. Criteria: Invitae Variant Classification Sherloc (09022015). Collection method: clinical testing. Allele origin: germline.

Mayo Clinic Laboratories, Mayo Clinic
Classification: Likely benign. Last evaluated: 2025-04-02. Review status: criteria provided, single submitter. Criteria: ACMG Guidelines, 2015. Collection method: clinical testing. Allele origin: germline. Observed: 1 variant allele.
Comment: BP4, BP7

Blueprint Genetics
Classification: Likely benign. Last evaluated: 2024-06-17. Review status: criteria provided, single submitter. Criteria: ACMG Guidelines, 2015. Collection method: clinical testing. Allele origin: germline.

CeGaT Center for Human Genetics Tuebingen
Classification: Likely benign. Last evaluated: 2024-03-01. Review status: criteria provided, single submitter. Criteria: CeGaT Center For Human Genetics Tuebingen Variant Classification Criteria Version 2. Collection method: clinical testing. Allele origin: germline. Affected: yes. Observed: 1 variant allele.
Comment: NPHP4: BP4, BP7

Eurofins Ntd Llc (ga)
Classification: Uncertain significance. Last evaluated: 2018-08-15. Review status: criteria provided, single submitter. Criteria: EGL ClinVar v180209 classification definitions. Collection method: clinical testing. Allele origin: germline. Observed: 8 variant alleles, 8 heterozygotes.

Illumina Laboratory Services, Illumina
Classification: Uncertain significance for Nephronophthisis 4. Last evaluated: 2018-01-12. Review status: criteria provided, single submitter. Criteria: ICSL Variant Classification Criteria 13 December 2019. Collection method: clinical testing. Allele origin: germline.

Illumina Laboratory Services, Illumina
Classification: Uncertain significance for Senior-Loken syndrome 4. Last evaluated: 2018-01-12. Review status: criteria provided, single submitter. Criteria: ICSL Variant Classification Criteria 13 December 2019. Collection method: clinical testing. Allele origin: germline.

PreventionGenetics, part of Exact Sciences
Classification: Likely benign for NPHP4-related condition. Last evaluated: 2021-05-25. Review status: no assertion criteria provided. Collection method: clinical testing. Allele origin: germline. Not counted in ClinVar's aggregate classification.
Comment: This variant is classified as likely benign based on ACMG/AMP sequence variant interpretation guidelines (Richards et al. 2015 PMID: 25741868, with internal and published modifications).

Clinical Genetics DNA and cytogenetics Diagnostics Lab, Erasmus MC, Erasmus Medical Center
Classification: Likely benign. Review status: no assertion criteria provided. Collection method: clinical testing. Allele origin: germline. Affected: yes. Study: VKGL Data-share Consensus. Not counted in ClinVar's aggregate classification.

Genome Diagnostics Laboratory, University Medical Center Utrecht
Classification: Likely benign. Review status: no assertion criteria provided. Collection method: clinical testing. Allele origin: germline. Affected: yes. Study: VKGL Data-share Consensus. Not counted in ClinVar's aggregate classification.